The following is an entry in ClinVar:

ClinVar aggregate classification (germline): Uncertain significance (1 of 4 stars; one submission).

Conditions:
Catecholaminergic polymorphic ventricular tachycardia 1. Also called: VENTRICULAR TACHYCARDIA, STRESS-INDUCED POLYMORPHIC 1; VENTRICULAR TACHYCARDIA, CATECHOLAMINERGIC POLYMORPHIC, 1, WITH OR WITHOUT ATRIAL DYSFUNCTION AND/OR DILATED CARDIOMYOPATHY; RYR2-Related Catecholaminergic Polymorphic Ventricular Tachycardia. Identifiers: Orphanet 3286, MedGen C1631597, MONDO:0011484, OMIM 604772.

gnomAD v4.1: 2 of 1,612,416 alleles (0.00012%); highest among the groups gnomAD compares: Admixed American, 0.0033%; no homozygotes.

Submission:

Labcorp Genetics (formerly Invitae), Labcorp
Classification: Uncertain significance for Catecholaminergic polymorphic ventricular tachycardia 1. Last evaluated: 2025-02-12. Review status: criteria provided, single submitter. Criteria: Invitae Variant Classification Sherloc (09022015). Collection method: clinical testing. Allele origin: germline.
Comment: This sequence change replaces proline, which is neutral and non-polar, with serine, which is neutral and polar, at codon 1541 of the RYR2 protein (p.Pro1541Ser). This variant is present in population databases (rs762729094, gnomAD 0.003%). This variant has not been reported in the literature in individuals affected with RYR2-related conditions. Invitae Evidence Modeling of protein sequence and biophysical properties (such as structural, functional, and spatial information, amino acid conservation, physicochemical variation, residue mobility, and thermodynamic stability) indicates that this missense variant is expected to disrupt RYR2 protein function with a positive predictive value of 95%. In summary, the available evidence is currently insufficient to determine the role of this variant in disease. Therefore, it has been classified as a Variant of Uncertain Significance.

NM_001035.3(RYR2):c.4621C>T (p.Pro1541Ser)

Gene: RYR2 (ryanodine receptor 2; plus strand). Cytogenetic location: 1q43.
Variant type: single nucleotide variant.
Coding change: c.4621C>T on transcript NM_001035.3 (MANE Select); coding-DNA position 4621, C replaced by T.
Protein change: p.Pro1541Ser; replaces proline 1541 with serine.
Molecular consequence: missense variant.
Genome position (GRCh38, 1-based): chr1:237,602,049, C>T. VCF-style: chr1-237602049-C-T. GRCh37 (hg19) VCF-style: chr1-237765349-C-T.
Other names: short protein forms P1541S.
Identifiers: ClinVar variation 3703694 (VCV003703694.2).
Genomic context (GRCh38, chr1:237,602,049, plus strand): 5'-TTACTAACATTATTAAATTCATTAAATGTATTTCAGGTGGAACCGAGTACAAAATTATTT[C>T]CTGCGGTTTTTGCACAAGCTACAAGTCCCAATGTTTTCCAGTTTGAGTTGGGAAGAATAA-3'
Protein context (NP_001026.2, residues 1531-1551): YQVEPSTKLF[Pro1541Ser]AVFAQATSPN